The following is an entry in ClinVar:

NM_001393704.1(MOBP):c.456C>T (p.Pro152=)

Gene: MOBP (myelin associated oligodendrocyte basic protein; plus strand). Cytogenetic location: 3p22.1.
Variant type: single nucleotide variant.
Coding change: c.456C>T on transcript NM_001393704.1 (MANE Select); coding-DNA position 456, C replaced by T.
Protein change: p.Pro152=; no amino-acid change (proline 152 retained).
Molecular consequence: synonymous variant. On other transcripts: non-coding transcript variant (2), intron variant (1).
Genome position (GRCh38, 1-based): chr3:39,502,784, C>T. VCF-style: chr3-39502784-C-T. GRCh37 (hg19) VCF-style: chr3-39544275-C-T.
Other names: c.528C>T, p.Pro176= (NM_001278322.2); c.456C>T, p.Pro152= (NM_001278323.2); c.206+509C>T (NM_182935.4).
Identifiers: ClinVar variation 3349477 (VCV003349477.1).

ClinVar aggregate classification (germline): Likely benign (0 of 4 stars; one submission).

Conditions:
MOBP-related disorder. Also called: MOBP-related condition.

Submission:

PreventionGenetics, part of Exact Sciences
Classification: Likely benign for MOBP-related condition. Last evaluated: 2023-08-28. Review status: no assertion criteria provided. Collection method: clinical testing. Allele origin: germline.
Comment: This variant is classified as likely benign based on ACMG/AMP sequence variant interpretation guidelines (Richards et al. 2015 PMID: 25741868, with internal and published modifications).